The following is an entry in ClinVar:

NM_001519.4(BRF1):c.545-4G>A

Gene: BRF1 (BRF1 general transcription factor IIIB subunit; minus strand). Cytogenetic location: 14q32.33.
Variant type: single nucleotide variant.
Coding change: c.545-4G>A on transcript NM_001519.4 (MANE Select); 4 bases into the intron before coding-DNA position 545, G replaced by A.
Molecular consequence: intron variant.
Genome position (GRCh38, 1-based): chr14:105,241,418, C>T on the plus strand (G>A on the coding strand, the complement: BRF1 is on the minus strand). VCF-style: chr14-105241418-C-T. GRCh37 (hg19) VCF-style: chr14-105707755-C-T.
Other names: c.200-4G>A (NM_001242787.2, NM_001242786.2); c.464-4G>A (NM_001242788.2); c.-21+7731G>A (NM_001242789.2); c.-68-4G>A (NM_145685.3).
Identifiers: ClinVar variation 796862 (VCV000796862.5), dbSNP rs752960770, ClinGen allele CA7387637.

ClinVar aggregate classification (germline): Likely benign. Review status: criteria provided, single submitter (1 of 4 stars). 2 submissions from 2 submitters: Likely benign (1). 1 of the submissions does not count toward it. Last evaluated 2018-12-21.

Conditions:
BRF1-related disorder. Also called: BRF1-related condition.

Allele frequency attached by ClinVar (database versions not stated): gnomAD 0.00001; ExAC 0.00002; TOPMed 0.00002.
gnomAD v4.1: 31 of 1,610,740 alleles (0.0019%); highest among the groups gnomAD compares: South Asian, 0.0022%; no homozygotes.

Submissions (2):

Labcorp Genetics (formerly Invitae), Labcorp
Classification: Likely benign. Last evaluated: 2018-12-21. Review status: criteria provided, single submitter. Criteria: Invitae Variant Classification Sherloc (09022015). Collection method: clinical testing. Allele origin: germline.

PreventionGenetics, part of Exact Sciences
Classification: Likely benign for BRF1-related condition. Last evaluated: 2019-05-20. Review status: no assertion criteria provided. Collection method: clinical testing. Allele origin: germline. Not counted in ClinVar's aggregate classification.
Comment: This variant is classified as likely benign based on ACMG/AMP sequence variant interpretation guidelines (Richards et al. 2015 PMID: 25741868, with internal and published modifications).